The following is an entry in ClinVar:

NM_004646.4(NPHS1):c.2043G>T (p.Trp681Cys)

Gene: NPHS1 (NPHS1 adhesion molecule, nephrin; minus strand). Cytogenetic location: 19q13.12.
Variant type: single nucleotide variant.
Coding change: c.2043G>T on transcript NM_004646.4 (MANE Select); coding-DNA position 2043, G replaced by T.
Protein change: p.Trp681Cys; replaces tryptophan 681 with cysteine.
Molecular consequence: missense variant.
Genome position (GRCh38, 1-based): chr19:35,844,347, C>A on the plus strand (G>T on the coding strand, the complement: NPHS1 is on the minus strand). VCF-style: chr19-35844347-C-A. GRCh37 (hg19) VCF-style: chr19-36335249-C-A.
Other names: short protein forms W681C.
Identifiers: ClinVar variation 56459 (VCV000056459.2), dbSNP rs386833900, ClinGen allele CA250163.

ClinVar aggregate classification (germline): Likely pathogenic (0 of 4 stars; one submission).

Conditions:
Finnish congenital nephrotic syndrome (NPHS1). Also called: NEPHROTIC SYNDROME, TYPE 1. Identifiers: Orphanet 839, MedGen C0403399, MONDO:0009732, OMIM 256300.

Allele frequency attached by ClinVar (database versions not stated): gnomAD exomes below 0.00001 and 0.00001; ExAC 0.00002.
gnomAD v4.1: 5 of 1,613,936 alleles (0.00031%); highest among the groups gnomAD compares: South Asian, 0.0055%; no homozygotes.

Submission:

Juha Muilu Group; Institute for Molecular Medicine Finland (FIMM)
Classification: Likely pathogenic for Finnish congenital nephrotic syndrome. Review status: no assertion criteria provided. Collection method: not provided. Allele origin: unknown.
Comment: FinDis database variant: This variant was not found or characterized by our laboratory, data were collected from public sources: see reference
ClinVar note: Converted during submission from probable-pathogenic to Likely pathogenic.